The following is an entry in ClinVar:

NM_001204.7(BMPR2):c.1609G>A (p.Val537Met)

Gene: BMPR2 (bone morphogenetic protein receptor type 2; plus strand). Cytogenetic location: 2q33.2.
Variant type: single nucleotide variant.
Coding change: c.1609G>A on transcript NM_001204.7 (MANE Select); coding-DNA position 1609, G replaced by A.
Protein change: p.Val537Met; replaces valine 537 with methionine.
Molecular consequence: missense variant.
Genome position (GRCh38, 1-based): chr2:202,555,274, G>A. VCF-style: chr2-202555274-G-A. GRCh37 (hg19) VCF-style: chr2-203419997-G-A.
Other names: short protein forms V537M.
Identifiers: ClinVar variation 4214544 (VCV004214544.1).
Genomic context (GRCh38, chr2:202,555,274, plus strand): 5'-GTACGTTCTCAATGTGATACTTTTTTTCTTTCTTTAAGCAACCTGTCACATAATAGGCGT[G>A]TGCCAAAAATTGGTCCTTATCCAGATTATTCTTCCTCCTCATACATTGAAGACTCTATCC-3'
Protein context (NP_001195.2, residues 527-547): NERNLSHNRR[Val537Met]PKIGPYPDYS

ClinVar aggregate classification (germline): Uncertain significance (1 of 4 stars; one submission).

Conditions:
Inborn genetic diseases. Identifiers: MedGen C0950123, MeSH D030342.

gnomAD v4.1: 2 of 1,614,100 alleles (0.00012%); highest among the groups gnomAD compares: South Asian, 0.0011%; no homozygotes.

Submission:

Ambry Genetics
Classification: Uncertain significance for Inborn genetic diseases. Last evaluated: 2025-08-31. Review status: criteria provided, single submitter. Criteria: Ambry Variant Classification Scheme 2023. Collection method: clinical testing. Allele origin: germline.
Comment: The p.V537M variant (also known as c.1609G>A), located in coding exon 12 of the BMPR2 gene, results from a G to A substitution at nucleotide position 1609. The valine at codon 537 is replaced by methionine, an amino acid with highly similar properties. This amino acid position is conserved. In addition, this alteration is predicted to be tolerated by in silico analysis. Based on the available evidence, the clinical significance of this variant remains unclear.